The following is an entry in ClinVar:

NM_004629.2(FANCG):c.153A>T (p.Arg51Ser)

Gene: FANCG (FA complementation group G; minus strand). Cytogenetic location: 9p13.3.
Variant type: single nucleotide variant.
Coding change: c.153A>T on transcript NM_004629.2 (MANE Select); coding-DNA position 153, A replaced by T.
Protein change: p.Arg51Ser; replaces arginine 51 with serine.
Molecular consequence: missense variant.
Genome position (GRCh38, 1-based): chr9:35,079,173, T>A on the plus strand (A>T on the coding strand, the complement: FANCG is on the minus strand). VCF-style: chr9-35079173-T-A. GRCh37 (hg19) VCF-style: chr9-35079170-T-A.
Other names: short protein forms R51S.
Identifiers: ClinVar variation 3689678 (VCV003689678.2).

ClinVar aggregate classification (germline): Uncertain significance (1 of 4 stars; one submission).

Conditions:
Fanconi anemia (FA). Also called: Fanconi's anemia. Identifiers: Orphanet 84, MedGen C0015625, MeSH D005199, MONDO:0019391.

Submission:

Labcorp Genetics (formerly Invitae), Labcorp
Classification: Uncertain significance for Fanconi anemia. Last evaluated: 2024-01-29. Review status: criteria provided, single submitter. Criteria: Invitae Variant Classification Sherloc (09022015). Collection method: clinical testing. Allele origin: germline.
Comment: This sequence change replaces arginine, which is basic and polar, with serine, which is neutral and polar, at codon 51 of the FANCG protein (p.Arg51Ser). This variant is not present in population databases (gnomAD no frequency). This variant has not been reported in the literature in individuals affected with FANCG-related conditions. Advanced modeling of protein sequence and biophysical properties (such as structural, functional, and spatial information, amino acid conservation, physicochemical variation, residue mobility, and thermodynamic stability) performed at Invitae indicates that this missense variant is not expected to disrupt FANCG protein function with a negative predictive value of 80%. In summary, the available evidence is currently insufficient to determine the role of this variant in disease. Therefore, it has been classified as a Variant of Uncertain Significance.